The following is an entry in ClinVar:

NM_001384140.1(PCDH15):c.986-259A>T

Gene: PCDH15 (protocadherin related 15; minus strand). Cytogenetic location: 10q21.1.
Variant type: single nucleotide variant.
Coding change: c.986-259A>T on transcript NM_001384140.1 (MANE Select); 259 bases into the intron before coding-DNA position 986, A replaced by T.
Molecular consequence: intron variant.
Genome position (GRCh38, 1-based): chr10:54,214,307, T>A on the plus strand (A>T on the coding strand, the complement: PCDH15 is on the minus strand). VCF-style: chr10-54214307-T-A. GRCh37 (hg19) VCF-style: chr10-55974067-T-A.
Other names: c.986-259A>T (NM_001354420.2, NM_001354429.2, NM_001142772.2 and 7 more transcripts); c.1001-259A>T (NM_001142771.2, NM_001142769.3, NM_001142763.2); c.920-259A>T (NM_001354404.2, NM_001142773.2, NM_001142768.2); c.875-259A>T (NM_001142767.2).
Identifiers: ClinVar variation 667953 (VCV000667953.1), dbSNP rs2384421, ClinGen allele CA207245288.

ClinVar aggregate classification (germline): Benign (1 of 4 stars; one submission).

Allele frequency attached by ClinVar (database versions not stated): gnomAD 0.90526 and 0.90532; TOPMed 0.91537; 1000 Genomes Project 0.93790; 1000 Genomes Project 30x 0.93785.
gnomAD v4.1: 137,786 of 152,144 alleles (91%); highest among the groups gnomAD compares: East Asian, 98%; 62,597 homozygotes.

Submission:

GeneDx
Classification: Benign. Last evaluated: 2018-06-14. Review status: criteria provided, single submitter. Criteria: GeneDx Variant Classification (06012015). Collection method: clinical testing. Allele origin: germline. Affected: yes.
Comment: This variant is considered likely benign or benign based on one or more of the following criteria: it is a conservative change, it occurs at a poorly conserved position in the protein, it is predicted to be benign by multiple in silico algorithms, and/or has population frequency not consistent with disease.